The following is an entry in ClinVar:

ClinVar aggregate classification (germline): Uncertain significance (1 of 4 stars; one submission).

Conditions:
Inborn genetic diseases. Identifiers: MedGen C0950123, MeSH D030342.

gnomAD v4.1: 1 of 1,614,130 alleles (0.000062%); highest among the groups gnomAD compares: Admixed American, 0.0017%; no homozygotes.

Submission:

Ambry Genetics
Classification: Uncertain significance for Inborn genetic diseases. Last evaluated: 2025-03-30. Review status: criteria provided, single submitter. Criteria: Ambry Variant Classification Scheme 2023. Collection method: clinical testing. Allele origin: germline.
Comment: The p.D712V variant (also known as c.2135A>T), located in coding exon 8 of the MECOM gene, results from an A to T substitution at nucleotide position 2135. The aspartic acid at codon 712 is replaced by valine, an amino acid with highly dissimilar properties. This amino acid position is conserved. In addition, the in silico prediction for this alteration is inconclusive. Based on the available evidence, the clinical significance of this variant remains unclear.

NM_004991.4(MECOM):c.2135A>T (p.Asp712Val)

Gene: MECOM (MDS1 and EVI1 complex locus; minus strand). Cytogenetic location: 3q26.2.
Variant type: single nucleotide variant.
Coding change: c.2135A>T on transcript NM_004991.4 (MANE Select); coding-DNA position 2135, A replaced by T.
Protein change: p.Asp712Val; replaces aspartic acid 712 with valine.
Molecular consequence: missense variant.
Genome position (GRCh38, 1-based): chr3:169,115,737, T>A on the plus strand (A>T on the coding strand, the complement: MECOM is on the minus strand). VCF-style: chr3-169115737-T-A. GRCh37 (hg19) VCF-style: chr3-168833525-T-A.
Other names: c.1766A>T, p.Asp589Val (NM_001105077.4); c.1571A>T, p.Asp524Val (NM_001105078.4, NM_001164000.2, NM_001205194.2 and 4 more transcripts); c.1574A>T, p.Asp525Val (NM_001163999.2, NM_001366467.2, NM_001366468.2 and 1 more transcripts); c.2135A>T, p.Asp712Val (NM_001366466.2); c.1163A>T, p.Asp388Val (NM_001366473.2); c.599A>T, p.Asp200Val (NM_001366474.2); short protein forms D200V, D525V, D712V, D388V, D524V, D589V.
Identifiers: ClinVar variation 4053121 (VCV004053121.1).